The following is an entry in ClinVar:

ClinVar aggregate classification (germline): Conflicting classifications of pathogenicity. Review status: criteria provided, conflicting classifications (1 of 4 stars). 2 submissions from 2 submitters: Uncertain significance (1); Likely benign (1). Last evaluated 2026-04-15.

Conditions:
OTUD5-related disorder. Also called: OTUD5-related condition.
Inborn genetic diseases. Identifiers: MedGen C0950123, MeSH D030342.

Allele frequency attached by ClinVar (database versions not stated): gnomAD 0.00030; TOPMed 0.00034.
gnomAD v4.1: 85 of 1,091,667 alleles (0.0078%); highest among the groups gnomAD compares: African/African-American, 0.16%; no homozygotes.

Submissions (2):

PreventionGenetics, part of Exact Sciences
Classification: Likely benign for OTUD5-related condition. Last evaluated: 2026-04-15. Review status: criteria provided, single submitter. Criteria: ACMG Guidelines, 2015. Collection method: clinical testing. Allele origin: germline.
Comment: This variant is classified as likely benign based on ACMG/AMP sequence variant interpretation guidelines (Richards et al. 2015 PMID: 25741868, with internal and published modifications).

Ambry Genetics
Classification: Uncertain significance for Inborn genetic diseases. Last evaluated: 2022-11-03. Review status: criteria provided, single submitter. Criteria: Ambry Variant Classification Scheme 2023. Collection method: clinical testing. Allele origin: germline.

NM_001136157.2(OTUD5):c.335G>C (p.Gly112Ala)

Genes: OTUD5 (OTU deubiquitinase 5; minus strand), LOC130068266 (ATAC-STARR-seq lymphoblastoid silent region 20828; plus strand). Cytogenetic location: Xp11.23.
Variant type: single nucleotide variant.
Coding change: c.335G>C on transcript NM_001136157.2 (MANE Select); coding-DNA position 335, G replaced by C.
Protein change: p.Gly112Ala; replaces glycine 112 with alanine.
Molecular consequence: missense variant. On other transcripts: intron variant (1).
Genome position (GRCh38, 1-based): chrX:48,957,236, C>G on the plus strand (G>C on the coding strand, the complement: OTUD5 is on the minus strand). VCF-style: chrX-48957236-C-G. GRCh37 (hg19) VCF-style: chrX-48814498-C-G.
Other names: c.335G>C, p.Gly112Ala (NM_001136158.2, NM_017602.4); c.-58+996G>C (NM_001136159.2); short protein forms G112A.
Identifiers: ClinVar variation 2216567 (VCV002216567.3), dbSNP rs782105843, ClinGen allele CA10406614.
Genomic context (GRCh38, chrX:48,957,236, plus strand): 5'-CCCACCACCACGCCCGCGGCACCCACACCCGCCGCCGCTGCGCCCAGCGCGTCGCCGGGA[C>G]CGCCGCCGGGACCACCTGGGCCCCCGCAAGGAGGTGGAGAAGCCTGTTGTGGCCGGGGAC-3'
Protein context (NP_001129629.1, residues 102-122): PCGGPGGPGG[Gly112Ala]PGDALGAAAA